The following is an entry in ClinVar:

ClinVar aggregate classification (germline): Uncertain significance. Review status: criteria provided, single submitter (1 of 4 stars). 2 submissions from 2 submitters: Uncertain significance (1). 1 of the submissions does not count toward it. Last evaluated 2018-01-12.

Conditions:
Rotor syndrome (HBLRR). Also called: HYPERBILIRUBINEMIA, ROTOR TYPE, DIGENIC; HYPERBILIRUBINEMIA, ROTOR TYPE. Identifiers: Orphanet 3111, MedGen C0220991, MONDO:0009379, OMIM 237450.
SLCO1B3-related disorder. Also called: SLCO1B3-related condition.

Allele frequency attached by ClinVar (database versions not stated): gnomAD exomes below 0.00001 and 0.00001; ExAC 0.00002; TOPMed 0.00004; gnomAD 0.00006; ESP Exome Variant Server 0.00008.
gnomAD v4.1: 17 of 1,575,228 alleles (0.0011%); highest among the groups gnomAD compares: African/African-American, 0.017%; no homozygotes.

Submissions (2):

Illumina Laboratory Services, Illumina
Classification: Uncertain significance for Rotor syndrome. Last evaluated: 2018-01-12. Review status: criteria provided, single submitter. Criteria: ICSL Variant Classification Criteria 13 December 2019. Collection method: clinical testing. Allele origin: germline.

PreventionGenetics, part of Exact Sciences
Classification: Likely benign for SLCO1B3-related condition. Last evaluated: 2022-08-17. Review status: no assertion criteria provided. Collection method: clinical testing. Allele origin: germline. Not counted in ClinVar's aggregate classification.
Comment: This variant is classified as likely benign based on ACMG/AMP sequence variant interpretation guidelines (Richards et al. 2015 PMID: 25741868, with internal and published modifications).

NM_019844.4(SLCO1B3):c.1135+8A>G

Genes: SLCO1B3 (solute carrier organic anion transporter family member 1B3; plus strand), SLCO1B3-SLCO1B7 (SLCO1B3-SLCO1B7 readthrough; plus strand). Cytogenetic location: 12p12.2.
Variant type: single nucleotide variant.
Coding change: c.1135+8A>G on transcript NM_019844.4 (MANE Select); 8 bases into the intron after coding-DNA position 1135, A replaced by G.
Molecular consequence: intron variant.
Genome position (GRCh38, 1-based): chr12:20,877,944, A>G. VCF-style: chr12-20877944-A-G. GRCh37 (hg19) VCF-style: chr12-21030878-A-G.
Other names: c.1051+8A>G (NM_001349920.2).
Identifiers: ClinVar variation 307900 (VCV000307900.7), dbSNP rs372493449, ClinGen allele CA6475453.
Genomic context (GRCh38, chr12:20,877,944, plus strand): 5'-ATATATGGAGCAACAGTACGGTCAGTCTGCATCTCATGCTAACTTTTTGTTGGGTAAGAC[A>G]TATTTTTTACCTGTTTGCTTGATAAATGAAACACTGCTGAGTACTTGTGTTCCAAGTCAC-3'